The following is an entry in ClinVar:

NM_001164665.2(KIAA1549):c.1043C>T (p.Ser348Leu)

Gene: KIAA1549 (KIAA1549; minus strand). Cytogenetic location: 7q34.
Variant type: single nucleotide variant.
Coding change: c.1043C>T on transcript NM_001164665.2 (MANE Select); coding-DNA position 1043, C replaced by T.
Protein change: p.Ser348Leu; replaces serine 348 with leucine.
Molecular consequence: missense variant.
Genome position (GRCh38, 1-based): chr7:138,918,583, G>A on the plus strand (C>T on the coding strand, the complement: KIAA1549 is on the minus strand). VCF-style: chr7-138918583-G-A. GRCh37 (hg19) VCF-style: chr7-138603329-G-A.
Other names: c.1043C>T, p.Ser348Leu (NM_020910.3); short protein forms S348L.
Identifiers: ClinVar variation 851067 (VCV000851067.7), dbSNP rs376618613, ClinGen allele CA4506812.

ClinVar aggregate classification (germline): Uncertain significance. Review status: criteria provided, multiple submitters, no conflicts (2 of 4 stars). 2 submissions from 2 submitters: Uncertain significance (2). Last evaluated 2025-06-16.

Allele frequency attached by ClinVar (database versions not stated): gnomAD exomes 0.00005 and 0.00006; ExAC 0.00007; gnomAD 0.00008 and 0.00009; TOPMed 0.00009; ESP Exome Variant Server 0.00023.

Submissions (2):

Labcorp Genetics (formerly Invitae), Labcorp
Classification: Uncertain significance. Last evaluated: 2025-06-16. Review status: criteria provided, single submitter. Criteria: Invitae Variant Classification Sherloc (09022015). Collection method: clinical testing. Allele origin: germline.
Comment: This sequence change replaces serine, which is neutral and polar, with leucine, which is neutral and non-polar, at codon 348 of the KIAA1549 protein (p.Ser348Leu). This variant is present in population databases (rs376618613, gnomAD 0.01%). This variant has not been reported in the literature in individuals affected with KIAA1549-related conditions. ClinVar contains an entry for this variant (Variation ID: 851067). An algorithm developed to predict the effect of missense changes on protein structure and function (PolyPhen-2) suggests that this variant is likely to be tolerated. In summary, the available evidence is currently insufficient to determine the role of this variant in disease. Therefore, it has been classified as a Variant of Uncertain Significance.

Blueprint Genetics
Classification: Uncertain significance. Last evaluated: 2024-11-15. Review status: criteria provided, single submitter. Criteria: ACMG Guidelines, 2015. Collection method: clinical testing. Allele origin: germline.